The following is an entry in ClinVar:

NM_000530.8(MPZ):c.440T>G (p.Phe147Cys)

Gene: MPZ (myelin protein zero; minus strand). Cytogenetic location: 1q23.3.
Variant type: single nucleotide variant.
Coding change: c.440T>G on transcript NM_000530.8 (MANE Select); coding-DNA position 440, T replaced by G.
Protein change: p.Phe147Cys; replaces phenylalanine 147 with cysteine.
Molecular consequence: missense variant.
Genome position (GRCh38, 1-based): chr1:161,306,716, A>C on the plus strand (T>G on the coding strand, the complement: MPZ is on the minus strand). VCF-style: chr1-161306716-A-C. GRCh37 (hg19) VCF-style: chr1-161276506-A-C.
Other names: c.440T>G, p.Phe147Cys (NM_001315491.2); short protein forms F147C.
Identifiers: ClinVar variation 836612 (VCV000836612.9), dbSNP rs1670257659, ClinGen allele CA343348179.

ClinVar aggregate classification (germline): Uncertain significance (1 of 4 stars; one submission).

Conditions:
Charcot-Marie-Tooth disease, type I (CMT1). Also called: Charcot-Marie-Tooth disease type 1; Charcot-Marie-Tooth, Type 1. Identifiers: Orphanet 65753, MedGen C0751036, MONDO:0019011.

Submission:

Labcorp Genetics (formerly Invitae), Labcorp
Classification: Uncertain significance for Charcot-Marie-Tooth disease, type I. Last evaluated: 2019-04-18. Review status: criteria provided, single submitter. Criteria: Invitae Variant Classification Sherloc (09022015). Collection method: clinical testing. Allele origin: germline.
Comment: This sequence change replaces phenylalanine with cysteine at codon 147 of the MPZ protein (p.Phe147Cys). The phenylalanine residue is highly conserved and there is a large physicochemical difference between phenylalanine and cysteine. This variant is not present in population databases (ExAC no frequency). This variant has not been reported in the literature in individuals with MPZ-related conditions. Algorithms developed to predict the effect of missense changes on protein structure and function (SIFT, PolyPhen-2, Align-GVGD) all suggest that this variant is likely to be tolerated, but these predictions have not been confirmed by published functional studies and their clinical significance is uncertain. In summary, the available evidence is currently insufficient to determine the role of this variant in disease. Therefore, it has been classified as a Variant of Uncertain Significance.